The following is an entry in ClinVar:

ClinVar aggregate classification (germline): Uncertain significance (1 of 4 stars; one submission).

Conditions:
Malignant hyperthermia, susceptibility to, 1 (MHS1). Also called: Anesthesia related hyperthermia; Malignant hyperpyrexia; Fulminating hyperpyrexia; Pharmacogenic myopathy; RYR1-Related Malignant Hyperthermia Susceptibility; Malignant hyperthermia suceptibility 1. Identifiers: Orphanet 423, MedGen C2930980, MONDO:0007783, OMIM 145600.

Allele frequency attached by ClinVar (database versions not stated): gnomAD exomes below 0.00001; TOPMed below 0.00001; ExAC 0.00001; gnomAD 0.00001.
gnomAD v4.1: 5 of 1,613,506 alleles (0.00031%); highest among the groups gnomAD compares: Non-Finnish European, 0.00042%; no homozygotes.

Submission:

All of Us Research Program, National Institutes of Health
Classification: Uncertain significance for Malignant hyperthermia, susceptibility to, 1. Last evaluated: 2023-08-28. Review status: criteria provided, single submitter. Criteria: ACMG Guidelines, 2015. Collection method: clinical testing. Allele origin: germline. Inheritance: Autosomal dominant inheritance. Observed: 1 variant allele, 1 heterozygote.
Comment: This missense variant replaces alanine with threonine at codon 2287 of the RYR1 protein. Computational prediction suggests that this variant may have deleterious impact on protein structure and function (internally defined REVEL score threshold >= 0.7, PMID: 27666373). To our knowledge, functional studies have not been reported for this variant. This variant has not been reported in individuals affected with RYR1-related disorders in the literature. This variant has been identified in 1/250426 chromosomes in the general population by the Genome Aggregation Database (gnomAD). The available evidence is insufficient to determine the role of this variant in disease conclusively. Therefore, this variant is classified as a Variant of Uncertain Significance.

This study involves interpretation of variants in research participants for the purpose of population health screening. Participant phenotype was not available at the time of variant classification. Additional details can be found in publication PMID: 35346344, PMCID: PMC8962531

NM_000540.3(RYR1):c.6859G>A (p.Ala2287Thr)

Gene: RYR1 (ryanodine receptor 1; plus strand). Cytogenetic location: 19q13.2.
Variant type: single nucleotide variant.
Coding change: c.6859G>A on transcript NM_000540.3 (MANE Select); coding-DNA position 6859, G replaced by A.
Protein change: p.Ala2287Thr; replaces alanine 2287 with threonine.
Molecular consequence: missense variant.
Genome position (GRCh38, 1-based): chr19:38,496,922, G>A. VCF-style: chr19-38496922-G-A. GRCh37 (hg19) VCF-style: chr19-38987562-G-A.
Other names: c.6859G>A, p.Ala2287Thr (NM_001042723.2); short protein forms A2287T.
Identifiers: ClinVar variation 3073219 (VCV003073219.1), dbSNP rs773423118, ClinGen allele CA068813.